The following is an entry in ClinVar:

NM_032043.3(BRIP1):c.2315C>G (p.Ser772Ter)

Gene: BRIP1 (BRCA1 interacting DNA helicase 1; minus strand). Cytogenetic location: 17q23.2.
Variant type: single nucleotide variant.
Coding change: c.2315C>G on transcript NM_032043.3 (MANE Select); coding-DNA position 2315, C replaced by G.
Protein change: p.Ser772Ter; replaces serine 772 with a stop codon.
Molecular consequence: nonsense.
Genome position (GRCh38, 1-based): chr17:61,743,077, G>C on the plus strand (C>G on the coding strand, the complement: BRIP1 is on the minus strand). VCF-style: chr17-61743077-G-C. GRCh37 (hg19) VCF-style: chr17-59820438-G-C.
Other names: short protein forms S772*.
Identifiers: ClinVar variation 3894344 (VCV003894344.1).
Genomic context (GRCh38, chr17:61,743,077, plus strand): 5'-AGATCTTTCACATTTGGAAAAGGAATTCCTATTGTTATGACAGCACGGGCATTGTCATCT[G>C]AGAAATCCAGACCCTCACTCACTTTACCACGACAAACTGCTACCAGGAGAGCTCCATCTT-3'

ClinVar aggregate classification (germline): Pathogenic (1 of 4 stars; one submission).

Conditions:
Hereditary cancer-predisposing syndrome. Also called: Neoplastic Syndromes, Hereditary; Tumor predisposition; Hereditary Cancer Syndrome; Hereditary neoplastic syndrome. Identifiers: Orphanet 140162, MedGen C0027672, MeSH D009386, MONDO:0015356.

Submission:

Color Diagnostics, LLC DBA Color Health
Classification: Pathogenic for Hereditary cancer-predisposing syndrome. Last evaluated: 2024-01-22. Review status: criteria provided, single submitter. Criteria: ACMG Guidelines, 2015. Collection method: clinical testing. Allele origin: germline.
Comment: This variant changes 1 nucleotide in exon 16/20 of the BRIP1 gene, creating a premature translation stop signal. This variant is expected to result in an absent or non-functional protein product. In a high-throughput screen, HeLa cells with this variant failed to restore resistance to inter-strand crosslinks-inducing agents compared to wild-type (PMID: 33619228). To our knowledge, this variant has not been reported in individuals affected with BRIP1-related disorders in the literature. This variant has not been identified in the general population by the Genome Aggregation Database (gnomAD). Loss of BRIP1 function is a known mechanism of disease. Based on the available evidence, this variant is classified as Pathogenic.

Literature cited by the submitters: PubMed 33619228.